The following is an entry in ClinVar:

ClinVar aggregate classification (germline): Benign (1 of 4 stars; one submission).

Allele frequency attached by ClinVar (database versions not stated): 1000 Genomes Project 30x 0.42911; 1000 Genomes Project 0.43371; TOPMed 0.48580; gnomAD 0.49558 and 0.49780.
gnomAD v4.1: 75,365 of 152,044 alleles (50%); highest among the groups gnomAD compares: Non-Finnish European, 58%; 19,410 homozygotes.

Submission:

GeneDx
Classification: Benign. Last evaluated: 2018-06-19. Review status: criteria provided, single submitter. Criteria: GeneDx Variant Classification (06012015). Collection method: clinical testing. Allele origin: germline. Affected: yes.
Comment: This variant is considered likely benign or benign based on one or more of the following criteria: it is a conservative change, it occurs at a poorly conserved position in the protein, it is predicted to be benign by multiple in silico algorithms, and/or has population frequency not consistent with disease.

NM_003982.4(SLC7A7):c.770+315A>G

Gene: SLC7A7 (solute carrier family 7 member 7; minus strand). Cytogenetic location: 14q11.2.
Variant type: single nucleotide variant.
Coding change: c.770+315A>G on transcript NM_003982.4 (MANE Select); 315 bases into the intron after coding-DNA position 770, A replaced by G.
Molecular consequence: intron variant.
Genome position (GRCh38, 1-based): chr14:22,778,478, T>C on the plus strand (A>G on the coding strand, the complement: SLC7A7 is on the minus strand). VCF-style: chr14-22778478-T-C. GRCh37 (hg19) VCF-style: chr14-23247687-T-C.
Other names: c.770+315A>G (NM_001126106.4, NM_001126105.3).
Identifiers: ClinVar variation 684066 (VCV000684066.1), dbSNP rs8013531, ClinGen allele CA257727948.